The following is an entry in ClinVar:

ClinVar aggregate classification (germline): Likely benign. Review status: criteria provided, multiple submitters, no conflicts (2 of 4 stars). 3 submissions from 3 submitters: Likely benign (3). Last evaluated 2024-12-30.

Conditions:
Melnick-Needles syndrome (MNS). Also called: MELNICK-NEEDLES OSTEODYSPLASTY; Melnick-Needles Syndrome (FLNA-MNS); OSTEODYSPLASTY OF MELNICK AND NEEDLES. Identifiers: Orphanet 2484, MedGen C0025237, MONDO:0010650, OMIM 309350.
Frontometaphyseal dysplasia (FMD1). Identifiers: Orphanet 1826, MedGen C0265293, MONDO:0015942.
Heterotopia, periventricular, X-linked dominant (PVNH1). Also called: PERIVENTRICULAR NODULAR HETEROTOPIA 4; HETEROTOPIA, PERIVENTRICULAR, 1; PERIVENTRICULAR NODULAR HETEROTOPIA 1; X-linked periventricular heterotopia. Identifiers: Orphanet 2149, Orphanet 82004, MedGen C1848213, MONDO:0010233, OMIM 300049.
Oto-palato-digital syndrome, type II (OPD2). Also called: Otopalatodigital Syndrome Type 2 (FLNA-OPD2); FACIOPALATOOSSEOUS SYNDROME; OPD II SYNDROME; Otopalatodigital Syndrome, Type II. Identifiers: Orphanet 669, Orphanet 90652, MedGen C1844696, MONDO:0010571, OMIM 304120.
Familial thoracic aortic aneurysm and aortic dissection (TAAD). Also called: Thoracic aortic aneurysms and dissections. Identifiers: Orphanet 91387, MedGen C4707243, MONDO:0019625.

Submissions (3):

Mayo Clinic Laboratories, Mayo Clinic
Classification: Likely benign. Last evaluated: 2024-12-30. Review status: criteria provided, single submitter. Criteria: ACMG Guidelines, 2015. Collection method: clinical testing. Allele origin: germline. Observed: 1 variant allele.
Comment: BP4, BP7, PM2_supporting

Labcorp Genetics (formerly Invitae), Labcorp
Classification: Likely benign for Oto-palato-digital syndrome, type II; Heterotopia, periventricular, X-linked dominant; Frontometaphyseal dysplasia; Melnick-Needles syndrome. Last evaluated: 2023-12-13. Review status: criteria provided, single submitter. Criteria: Invitae Variant Classification Sherloc (09022015). Collection method: clinical testing. Allele origin: germline.

Ambry Genetics
Classification: Likely benign for Familial thoracic aortic aneurysm and aortic dissection. Last evaluated: 2016-10-21. Review status: criteria provided, single submitter. Criteria: Ambry Variant Classification Scheme 2023. Collection method: clinical testing. Allele origin: germline.

NM_001110556.2(FLNA):c.7068C>T (p.Ser2356=)

Gene: FLNA (filamin A; minus strand). Cytogenetic location: Xq28.
Variant type: single nucleotide variant.
Coding change: c.7068C>T on transcript NM_001110556.2 (MANE Select); coding-DNA position 7068, C replaced by T.
Protein change: p.Ser2356=; no amino-acid change (serine 2356 retained).
Molecular consequence: synonymous variant.
Genome position (GRCh38, 1-based): chrX:154,350,997, G>A on the plus strand (C>T on the coding strand, the complement: FLNA is on the minus strand). VCF-style: chrX-154350997-G-A. GRCh37 (hg19) VCF-style: chrX-153579365-G-A.
Other names: p.Ser2348=; c.7044C>T, p.Ser2348= (NM_001456.4).
Identifiers: ClinVar variation 519884 (VCV000519884.9), dbSNP rs1557175633, ClinGen allele CA519276550.